The following is an entry in ClinVar:

NM_001037131.3(AGAP1):c.40C>T (p.Arg14Trp)

Gene: AGAP1 (ArfGAP with GTPase domain, ankyrin repeat and PH domain 1; plus strand). Cytogenetic location: 2q37.2.
Variant type: single nucleotide variant.
Coding change: c.40C>T on transcript NM_001037131.3 (MANE Select); coding-DNA position 40, C replaced by T.
Protein change: p.Arg14Trp; replaces arginine 14 with tryptophan.
Molecular consequence: missense variant.
Genome position (GRCh38, 1-based): chr2:235,494,726, C>T. VCF-style: chr2-235494726-C-T. GRCh37 (hg19) VCF-style: chr2-236403370-C-T.
Other names: c.40C>T, p.Arg14Trp (NM_001244888.2, NM_001412122.1, NM_014914.5); c.40C>T (NM_001037131.2); short protein forms R14W.
Identifiers: ClinVar variation 2123242 (VCV002123242.5), dbSNP rs1418853145, ClinGen allele CA351180821.

ClinVar aggregate classification (germline): Uncertain significance. Review status: criteria provided, multiple submitters, no conflicts (2 of 4 stars). 2 submissions from 2 submitters: Uncertain significance (2). Last evaluated 2025-03-30.

Allele frequency attached by ClinVar (database versions not stated): gnomAD exomes below 0.00001; gnomAD 0.00001.
gnomAD v4.1: 4 of 1,562,404 alleles (0.00026%); highest among the groups gnomAD compares: Non-Finnish European, 0.00017%; no homozygotes.

Submissions (2):

Ambry Genetics
Classification: Uncertain significance. Last evaluated: 2025-03-30. Review status: criteria provided, single submitter. Criteria: Ambry Variant Classification Scheme 2023. Collection method: clinical testing. Allele origin: germline.

Labcorp Genetics (formerly Invitae), Labcorp
Classification: Uncertain significance. Last evaluated: 2022-07-06. Review status: criteria provided, single submitter. Criteria: Invitae Variant Classification Sherloc (09022015). Collection method: clinical testing. Allele origin: germline.
Comment: This sequence change replaces arginine, which is basic and polar, with tryptophan, which is neutral and slightly polar, at codon 14 of the AGAP1 protein (p.Arg14Trp). In summary, the available evidence is currently insufficient to determine the role of this variant in disease. Therefore, it has been classified as a Variant of Uncertain Significance. Algorithms developed to predict the effect of missense changes on protein structure and function are either unavailable or do not agree on the potential impact of this missense change (SIFT: "Deleterious"; PolyPhen-2: "Probably Damaging"; Align-GVGD: "Class C0"). This variant has not been reported in the literature in individuals affected with AGAP1-related conditions. The frequency data for this variant in the population databases is considered unreliable, as metrics indicate poor data quality at this position in the gnomAD database.